The following is an entry in ClinVar:

ClinVar aggregate classification (germline): Uncertain significance (1 of 4 stars; one submission).

Conditions:
Familial adenomatous polyposis 1 (FAP1). Also called: POLYPOSIS, ADENOMATOUS INTESTINAL; FAMILIAL ADENOMATOUS POLYPOSIS 1, ATTENUATED. Identifiers: MedGen C2713442, MONDO:0021056, OMIM 175100. Disease mechanism: loss of function.

Submission:

Labcorp Genetics (formerly Invitae), Labcorp
Classification: Uncertain significance for Familial adenomatous polyposis 1. Last evaluated: 2025-04-27. Review status: criteria provided, single submitter. Criteria: Invitae Variant Classification Sherloc (09022015). Collection method: clinical testing. Allele origin: germline.
Comment: This sequence change replaces glutamic acid, which is acidic and polar, with alanine, which is neutral and non-polar, at codon 138 of the APC protein (p.Glu138Ala). This variant is not present in population databases (gnomAD no frequency). This variant has not been reported in the literature in individuals affected with APC-related conditions. ClinVar contains an entry for this variant (Variation ID: 1415460). Invitae Evidence Modeling of protein sequence and biophysical properties (such as structural, functional, and spatial information, amino acid conservation, physicochemical variation, residue mobility, and thermodynamic stability) indicates that this missense variant is not expected to disrupt APC protein function with a negative predictive value of 95%. In summary, the available evidence is currently insufficient to determine the role of this variant in disease. Therefore, it has been classified as a Variant of Uncertain Significance.

NM_000038.6(APC):c.413A>C (p.Glu138Ala)

Gene: APC (APC regulator of Wnt signaling pathway; plus strand). Cytogenetic location: 5q22.2.
Variant type: single nucleotide variant.
Coding change: c.413A>C on transcript NM_000038.6 (MANE Select); coding-DNA position 413, A replaced by C.
Protein change: p.Glu138Ala; replaces glutamic acid 138 with alanine.
Molecular consequence: missense variant. On other transcripts: 5 prime UTR variant (1).
Genome position (GRCh38, 1-based): chr5:112,767,381, A>C. VCF-style: chr5-112767381-A-C. GRCh37 (hg19) VCF-style: chr5-112103078-A-C.
Other names: c.413A>C, p.Glu138Ala (NM_001127510.3, NM_001354895.2, NM_001354896.2 and 2 more transcripts); c.443A>C, p.Glu148Ala (NM_001127511.3, NM_001354897.2, NM_001354902.2); c.338A>C, p.Glu113Ala (NM_001354898.2, NM_001354904.2); c.236A>C, p.Glu79Ala (NM_001354900.2, NM_001354901.2, NM_001354905.2); c.-623A>C (NM_001354906.2); short protein forms E79A, E138A, E113A, E148A.
Identifiers: ClinVar variation 1415460 (VCV001415460.8), dbSNP rs931511623, ClinGen allele CA16022223.